The following is an entry in ClinVar:

NM_032119.4(ADGRV1):c.2135G>C (p.Gly712Ala)

Gene: ADGRV1 (adhesion G protein-coupled receptor V1; plus strand). Cytogenetic location: 5q14.3.
Variant type: single nucleotide variant.
Coding change: c.2135G>C on transcript NM_032119.4 (MANE Select); coding-DNA position 2135, G replaced by C.
Protein change: p.Gly712Ala; replaces glycine 712 with alanine.
Molecular consequence: missense variant. On other transcripts: non-coding transcript variant (1).
Genome position (GRCh38, 1-based): chr5:90,637,843, G>C. VCF-style: chr5-90637843-G-C. GRCh37 (hg19) VCF-style: chr5-89933660-G-C.
Other names: short protein forms G712A.
Identifiers: ClinVar variation 1931700 (VCV001931700.5), dbSNP rs781095047, ClinGen allele CA3338839.
Genomic context (GRCh38, chr5:90,637,843, plus strand): 5'-TGAAGCCCTCTGGCTTTAATTCAAAAGCAGTGACCCCGGATGATATAGGCCCCTTTAATG[G>C]CTCTGTTTTGTTTTTATCTGGGCAAAGTGACACAACAATCAACATTACTATCAAAGGTGA-3'
Protein context (NP_115495.3, residues 702-722): VTPDDIGPFN[Gly712Ala]SVLFLSGQSD

ClinVar aggregate classification (germline): Uncertain significance (1 of 4 stars; one submission).

Allele frequency attached by ClinVar (database versions not stated): ExAC 0.00002.
gnomAD v4.1: 4 of 1,613,614 alleles (0.00025%); highest among the groups gnomAD compares: African/African-American, 0.004%; no homozygotes.

Submission:

Labcorp Genetics (formerly Invitae), Labcorp
Classification: Uncertain significance. Last evaluated: 2022-02-20. Review status: criteria provided, single submitter. Criteria: Invitae Variant Classification Sherloc (09022015). Collection method: clinical testing. Allele origin: germline.
Comment: In summary, the available evidence is currently insufficient to determine the role of this variant in disease. Therefore, it has been classified as a Variant of Uncertain Significance. Algorithms developed to predict the effect of missense changes on protein structure and function are either unavailable or do not agree on the potential impact of this missense change (SIFT: "Deleterious"; PolyPhen-2: "Probably Damaging"; Align-GVGD: "Class C0"). This variant has not been reported in the literature in individuals affected with ADGRV1-related conditions. This variant is present in population databases (rs781095047, gnomAD 0.01%). This sequence change replaces glycine, which is neutral and non-polar, with alanine, which is neutral and non-polar, at codon 712 of the ADGRV1 protein (p.Gly712Ala).